The following is an entry in ClinVar:

NM_198578.4(LRRK2):c.1736T>C (p.Met579Thr)

Gene: LRRK2 (leucine rich repeat kinase 2; plus strand). Cytogenetic location: 12q12.
Variant type: single nucleotide variant.
Coding change: c.1736T>C on transcript NM_198578.4 (MANE Select); coding-DNA position 1736, T replaced by C.
Protein change: p.Met579Thr; replaces methionine 579 with threonine.
Molecular consequence: missense variant.
Genome position (GRCh38, 1-based): chr12:40,274,662, T>C. VCF-style: chr12-40274662-T-C. GRCh37 (hg19) VCF-style: chr12-40668464-T-C.
Other names: short protein forms M579T.
Identifiers: ClinVar variation 1779090 (VCV001779090.2), dbSNP rs2499623124, ClinGen allele CA384403075.

ClinVar aggregate classification (germline): Uncertain significance (1 of 4 stars; one submission).

Conditions:
Inborn genetic diseases. Identifiers: MedGen C0950123, MeSH D030342.

Submission:

Ambry Genetics
Classification: Uncertain significance for Inborn genetic diseases. Last evaluated: 2024-03-12. Review status: criteria provided, single submitter. Criteria: Ambry Variant Classification Scheme 2023. Collection method: clinical testing. Allele origin: germline.
Comment: The p.M579T variant (also known as c.1736T>C), located in coding exon 15 of the LRRK2 gene, results from a T to C substitution at nucleotide position 1736. The methionine at codon 579 is replaced by threonine, an amino acid with similar properties. This amino acid position is conserved. In addition, this alteration is predicted to be tolerated by in silico analysis. Since supporting evidence is limited at this time, the clinical significance of this alteration remains unclear.